The following is an entry in ClinVar:

ClinVar aggregate classification (germline): Uncertain significance (1 of 4 stars; one submission).

Conditions:
Kufor-Rakeb syndrome (KRS). Also called: PARKINSON DISEASE 9, AUTOSOMAL RECESSIVE, JUVENILE-ONSET. Identifiers: Orphanet 306674, Orphanet 314632, MedGen C1847640, MONDO:0011706, OMIM 606693.
Autosomal recessive spastic paraplegia type 78. Identifiers: Orphanet 513436, MedGen C5567893, MONDO:0014975, OMIM 617225.

Allele frequency attached by ClinVar (database versions not stated): gnomAD exomes below 0.00001.
gnomAD v4.1: 2 of 1,614,252 alleles (0.00012%); highest among the groups gnomAD compares: Non-Finnish European, 0.00017%; no homozygotes.

Submission:

Labcorp Genetics (formerly Invitae), Labcorp
Classification: Uncertain significance for Kufor-Rakeb syndrome; Autosomal recessive spastic paraplegia type 78. Last evaluated: 2022-07-12. Review status: criteria provided, single submitter. Criteria: Invitae Variant Classification Sherloc (09022015). Collection method: clinical testing. Allele origin: germline.
Comment: This sequence change replaces tyrosine, which is neutral and polar, with histidine, which is basic and polar, at codon 50 of the ATP13A2 protein (p.Tyr50His). This variant is not present in population databases (gnomAD no frequency). This variant has not been reported in the literature in individuals affected with ATP13A2-related conditions. ClinVar contains an entry for this variant (Variation ID: 1490071). Advanced modeling of protein sequence and biophysical properties (such as structural, functional, and spatial information, amino acid conservation, physicochemical variation, residue mobility, and thermodynamic stability) performed at Invitae indicates that this missense variant is not expected to disrupt ATP13A2 protein function. In summary, the available evidence is currently insufficient to determine the role of this variant in disease. Therefore, it has been classified as a Variant of Uncertain Significance.

NM_022089.4(ATP13A2):c.148T>C (p.Tyr50His)

Gene: ATP13A2 (ATPase cation transporting 13A2; minus strand). Cytogenetic location: 1p36.13.
Variant type: single nucleotide variant.
Coding change: c.148T>C on transcript NM_022089.4 (MANE Select); coding-DNA position 148, T replaced by C.
Protein change: p.Tyr50His; replaces tyrosine 50 with histidine.
Molecular consequence: missense variant.
Genome position (GRCh38, 1-based): chr1:17,005,514, A>G on the plus strand (T>C on the coding strand, the complement: ATP13A2 is on the minus strand). VCF-style: chr1-17005514-A-G. GRCh37 (hg19) VCF-style: chr1-17332009-A-G.
Other names: c.148T>C, p.Tyr50His (NM_001141973.3, NM_001141974.3); short protein forms Y50H.
Identifiers: ClinVar variation 1490071 (VCV001490071.7), dbSNP rs2101123287, ClinGen allele CA338264918.